The following is an entry in ClinVar:

ClinVar aggregate classification (germline): Conflicting classifications of pathogenicity. Review status: criteria provided, conflicting classifications (1 of 4 stars). 5 submissions from 4 submitters: Uncertain significance (2); Likely benign (3). Last evaluated 2024-09-01.

Conditions:
Hereditary hyperferritinemia with congenital cataracts. Also called: HYPERFERRITINEMIA WITH OR WITHOUT CATARACT; Hereditary hyperferritinemia cataract syndrome; Bonneau-Beaumont syndrome. Identifiers: Orphanet 163, MedGen C1833213, MONDO:0010952, OMIM 600886.
Neuroferritinopathy (NBIA3). Also called: NEURODEGENERATION WITH BRAIN IRON ACCUMULATION 3; BASAL GANGLIA DISEASE, ADULT-ONSET. Identifiers: Orphanet 157846, MedGen C1853578, MONDO:0011638, OMIM 606159.
Inborn genetic diseases. Identifiers: MedGen C0950123, MeSH D030342.

Allele frequency attached by ClinVar (database versions not stated): gnomAD 0.00001; gnomAD exomes 0.00001 and 0.00002; ExAC 0.00002; TOPMed 0.00002.
gnomAD v4.1: 13 of 1,613,896 alleles (0.00081%); highest among the groups gnomAD compares: Middle Eastern, 0.016%; no homozygotes.

Submissions (5):

CeGaT Center for Human Genetics Tuebingen
Classification: Uncertain significance. Last evaluated: 2024-09-01. Review status: criteria provided, single submitter. Criteria: CeGaT Center For Human Genetics Tuebingen Variant Classification Criteria Version 2. Collection method: clinical testing. Allele origin: germline. Affected: yes. Observed: 1 variant allele.
Comment: FTL: PM2, BP4

Labcorp Genetics (formerly Invitae), Labcorp
Classification: Uncertain significance for Neuroferritinopathy; Hereditary hyperferritinemia with congenital cataracts. Last evaluated: 2023-05-09. Review status: criteria provided, single submitter. Criteria: Invitae Variant Classification Sherloc (09022015). Collection method: clinical testing. Allele origin: germline.
Comment: Algorithms developed to predict the effect of missense changes on protein structure and function output the following: SIFT: "Not Available"; PolyPhen-2: "Benign"; Align-GVGD: "Not Available". The histidine amino acid residue is found in multiple mammalian species, which suggests that this missense change does not adversely affect protein function. ClinVar contains an entry for this variant (Variation ID: 893264). This variant has not been reported in the literature in individuals affected with FTL-related conditions. This variant is present in population databases (rs769449169, gnomAD 0.003%). This sequence change replaces arginine, which is basic and polar, with histidine, which is basic and polar, at codon 121 of the FTL protein (p.Arg121His). In summary, the available evidence is currently insufficient to determine the role of this variant in disease. Therefore, it has been classified as a Variant of Uncertain Significance.

Ambry Genetics
Classification: Likely benign for Inborn genetic diseases. Last evaluated: 2021-11-08. Review status: criteria provided, single submitter. Criteria: Ambry Variant Classification Scheme 2023. Collection method: clinical testing. Allele origin: germline.

Illumina Laboratory Services, Illumina
Classification: Likely benign for Neuroferritinopathy. Last evaluated: 2018-01-13. Review status: criteria provided, single submitter. Criteria: ICSL Variant Classification Criteria 13 December 2019. Collection method: clinical testing. Allele origin: germline.
Comment: This variant was observed in the ICSL laboratory as part of a predisposition screen in an ostensibly healthy population. It had not been previously curated by ICSL or reported in the Human Gene Mutation Database (HGMD: prior to June 1st, 2018), and was therefore a candidate for classification through an automated scoring system. Utilizing variant allele frequency, disease prevalence and penetrance estimates, and inheritance mode, an automated score was calculated to assess if this variant is too frequent to cause the disease. Based on the score and internal cut-off values, a variant classified as likely benign is not then subjected to further curation. The score for this variant resulted in a classification of likely benign for this disease.

Illumina Laboratory Services, Illumina
Classification: Likely benign for Hereditary hyperferritinemia with congenital cataracts. Last evaluated: 2018-01-13. Review status: criteria provided, single submitter. Criteria: ICSL Variant Classification Criteria 13 December 2019. Collection method: clinical testing. Allele origin: germline.
Comment: the same text as in the submission from Illumina Laboratory Services, Illumina above.

NM_000146.4(FTL):c.362G>A (p.Arg121His)

Gene: FTL (ferritin light chain; plus strand). Cytogenetic location: 19q13.33.
Variant type: single nucleotide variant.
Coding change: c.362G>A on transcript NM_000146.4 (MANE Select); coding-DNA position 362, G replaced by A.
Protein change: p.Arg121His; replaces arginine 121 with histidine.
Molecular consequence: missense variant.
Genome position (GRCh38, 1-based): chr19:48,966,393, G>A. VCF-style: chr19-48966393-G-A. GRCh37 (hg19) VCF-style: chr19-49469650-G-A.
Other names: short protein forms R121H.
Identifiers: ClinVar variation 893264 (VCV000893264.22), dbSNP rs769449169, ClinGen allele CA9562541.